The following is an entry in ClinVar:

NM_001282225.2(ADA2):c.754-2A>G

Gene: ADA2 (adenosine deaminase 2; minus strand). Cytogenetic location: 22q11.1.
Variant type: single nucleotide variant.
Coding change: c.754-2A>G on transcript NM_001282225.2 (MANE Select); the canonical splice acceptor site of the intron before coding-DNA position 754, A replaced by G.
Molecular consequence: splice acceptor variant.
Genome position (GRCh38, 1-based): chr22:17,191,812, T>C on the plus strand (A>G on the coding strand, the complement: ADA2 is on the minus strand). VCF-style: chr22-17191812-T-C. GRCh37 (hg19) VCF-style: chr22-17672702-T-C.
Other names: c.394-2A>G (NM_001282229.2); c.628-2A>G (NM_001282228.2, NM_001282227.2); c.754-2A>G (NM_001282226.2); c.31-2A>G (NM_177405.3).
Identifiers: ClinVar variation 947325 (VCV000947325.4), dbSNP rs2062118599, ClinGen allele CA410225994.

ClinVar aggregate classification (germline): Likely pathogenic. Review status: criteria provided, multiple submitters, no conflicts (2 of 4 stars). 2 submissions from 2 submitters: Likely pathogenic (2). Last evaluated 2024-10-12.

Conditions:
Deficiency of adenosine deaminase 2. Also called: Polyarteritis nodosa, childhoood-onset; VASCULITIS, AUTOINFLAMMATION, IMMUNODEFICIENCY, AND HEMATOLOGIC DEFECTS SYNDROME; Adenosine Deaminase 2 Deficiency. Identifiers: Orphanet 404553, MedGen C3887654, MONDO:0014306, OMIM 615688, MONDO:0100317.

Submissions (2):

Labcorp Genetics (formerly Invitae), Labcorp
Classification: Likely pathogenic for Deficiency of adenosine deaminase 2. Last evaluated: 2024-10-12. Review status: criteria provided, single submitter. Criteria: Invitae Variant Classification Sherloc (09022015). Collection method: clinical testing. Allele origin: germline.
Comment: This sequence change affects an acceptor splice site in intron 4 of the ADA2 gene. It is expected to disrupt RNA splicing. Variants that disrupt the donor or acceptor splice site typically lead to a loss of protein function (PMID: 16199547), and loss-of-function variants in ADA2 are known to be pathogenic (PMID: 24552284, 24552285). This variant is not present in population databases (gnomAD no frequency). This variant has not been reported in the literature in individuals affected with ADA2-related conditions. ClinVar contains an entry for this variant (Variation ID: 947325). Algorithms developed to predict the effect of sequence changes on RNA splicing suggest that this variant may disrupt the consensus splice site. In summary, the currently available evidence indicates that the variant is pathogenic, but additional data are needed to prove that conclusively. Therefore, this variant has been classified as Likely Pathogenic.

Neuberg Centre For Genomic Medicine, NCGM
Classification: Likely pathogenic for Deficiency of adenosine deaminase 2. Last evaluated: 2023-05-20. Review status: criteria provided, single submitter. Criteria: ACMG Guidelines, 2015. Collection method: clinical testing. Allele origin: germline. Inheritance: Autosomal recessive inheritance. Affected: yes.
Comment: The splice site acceptor c.754-2A>G variant in the ADA2 gene has not been reported previously as a pathogenic variant nor as a benign variant, to our knowledge. The variant is absent in gnomAD Exome. The variant affects AG acceptor splice site upstream to exon 4. This variant has been reported to the ClinVar database as Likely Pathogenic. The spliceAI tool predicts the variant to be damaging. Loss of function variants have been previously reported to be disease causing. Further studies are required to prove the pathogencity of the varaint. For these reasons, this variant has been classified as Likely Pathogenic.

Literature cited by the submitters: PubMed 16199547 (cited by Labcorp Genetics (formerly Invitae), Labcorp); PubMed 24552284 (cited by Labcorp Genetics (formerly Invitae), Labcorp); PubMed 24552285 (cited by Labcorp Genetics (formerly Invitae), Labcorp).